The following is an entry in ClinVar:

NM_133259.4(LRPPRC):c.1582+7A>G

Gene: LRPPRC (leucine rich pentatricopeptide repeat containing; minus strand). Cytogenetic location: 2p21.
Variant type: single nucleotide variant.
Coding change: c.1582+7A>G on transcript NM_133259.4 (MANE Select); 7 bases into the intron after coding-DNA position 1582, A replaced by G.
Molecular consequence: intron variant.
Genome position (GRCh38, 1-based): chr2:43,960,534, T>C on the plus strand (A>G on the coding strand, the complement: LRPPRC is on the minus strand). VCF-style: chr2-43960534-T-C. GRCh37 (hg19) VCF-style: chr2-44187673-T-C.
Other names: IVS13DS, A-G, +7.
Identifiers: ClinVar variation 218168 (VCV000218168.8), dbSNP rs863225446, ClinGen allele CA279905.

ClinVar aggregate classification (germline): Likely pathogenic. Review status: criteria provided, multiple submitters, no conflicts (2 of 4 stars). 4 submissions from 4 submitters: Likely pathogenic (2). 2 of the submissions do not count toward it. Last evaluated 2025-08-25.

Conditions:
Congenital lactic acidosis, Saguenay-Lac-Saint-Jean type (MC4DN5). Also called: CYTOCHROME c OXIDASE DEFICIENCY, FRENCH CANADIAN TYPE; COX DEFICIENCY, FRENCH CANADIAN TYPE; MITOCHONDRIAL COMPLEX IV DEFICIENCY, NUCLEAR TYPE 5. Identifiers: Orphanet 70472, MedGen C1857355, MONDO:0009069, OMIM 220111.

Allele frequency attached by ClinVar (database versions not stated): gnomAD 0.00001; gnomAD exomes 0.00001.
gnomAD v4.1: 10 of 1,460,396 alleles (0.00068%); highest among the groups gnomAD compares: Non-Finnish European, 0.00096%; no homozygotes.

Submissions (4):

Natera, Inc.
Classification: Likely pathogenic for French-Canadian type Leigh syndrome. Last evaluated: 2025-08-25. Review status: criteria provided, single submitter. Criteria: Natera Variant Classification Schema (03/2026). Collection method: clinical testing. Allele origin: germline.
Comment: The c.1582+7A>G variant in LRPPRC is an intronic variant located outside the canonical splice sites. This variant is rare in the general population with a frequency below the threshold expected for the associated phenotype(s). This variant has been observed in one or more individuals affected with the associated recessive disease, as either homozygous or compound heterozygous with a second variant (PMID: 26510951). Functional studies show that this variant may disrupt protein function (PMID: 26510951). Given the available evidence, this variant is classified as Likely Pathogenic.

Labcorp Genetics (formerly Invitae), Labcorp
Classification: Likely pathogenic. Last evaluated: 2023-07-29. Review status: criteria provided, single submitter. Criteria: Invitae Variant Classification Sherloc (09022015). Collection method: clinical testing. Allele origin: germline.
Comment: This variant is not present in population databases (gnomAD no frequency). In summary, the currently available evidence indicates that the variant is pathogenic, but additional data are needed to prove that conclusively. Therefore, this variant has been classified as Likely Pathogenic. Studies have shown that this variant is associated with altered splicing resulting in unknown protein product impact (PMID: 26510951). ClinVar contains an entry for this variant (Variation ID: 218168). This variant has been observed in individual(s) with LRPPRC-related conditions (PMID: 26510951). In at least one individual the data is consistent with being in trans (on the opposite chromosome) from a pathogenic variant. This sequence change falls in intron 13 of the LRPPRC gene. It does not directly change the encoded amino acid sequence of the LRPPRC protein.

Counsyl
Classification: Uncertain significance for Congenital lactic acidosis, Saguenay-Lac-Saint-Jean type. Last evaluated: 2018-04-09. Review status: no assertion criteria provided. Collection method: clinical testing. Allele origin: unknown. Not counted in ClinVar's aggregate classification.

OMIM
Classification: Pathogenic for MITOCHONDRIAL COMPLEX IV DEFICIENCY, NUCLEAR TYPE 5. Last evaluated: 2015-12-01. Review status: no assertion criteria provided. Collection method: literature only. Allele origin: germline. Not counted in ClinVar's aggregate classification.

Literature cited by the submitters: PubMed 26510951 (cited by 4 submitters).